The following is an entry in ClinVar:

ClinVar aggregate classification (germline): Uncertain significance (1 of 4 stars; one submission).

Submission:

Labcorp Genetics (formerly Invitae), Labcorp
Classification: Uncertain significance. Last evaluated: 2022-05-03. Review status: criteria provided, single submitter. Criteria: Invitae Variant Classification Sherloc (09022015). Collection method: clinical testing. Allele origin: germline.
Comment: This variant is not present in population databases (gnomAD no frequency). This sequence change creates a premature translational stop signal (p.Arg998*) in the RIMS1 gene. It is expected to result in an absent or disrupted protein product. However, the current clinical and genetic evidence is not sufficient to establish whether loss-of-function variants in RIMS1 cause disease. In summary, the available evidence is currently insufficient to determine the role of this variant in disease. Therefore, it has been classified as a Variant of Uncertain Significance. This variant has not been reported in the literature in individuals affected with RIMS1-related conditions.

NM_014989.7(RIMS1):c.2992C>T (p.Arg998Ter)

Gene: RIMS1 (regulating synaptic membrane exocytosis 1; plus strand). Cytogenetic location: 6q13.
Variant type: single nucleotide variant.
Coding change: c.2992C>T on transcript NM_014989.7 (MANE Select); coding-DNA position 2992, C replaced by T.
Protein change: p.Arg998Ter; replaces arginine 998 with a stop codon.
Molecular consequence: nonsense.
Genome position (GRCh38, 1-based): chr6:72,259,050, C>T. VCF-style: chr6-72259050-C-T. GRCh37 (hg19) VCF-style: chr6-72968753-C-T.
Other names: c.1342C>T, p.Arg448Ter (NM_001350450.2, NM_001350471.2, NM_001350421.2 and 2 more transcripts); c.1414C>T, p.Arg472Ter (NM_001350452.2, NM_001350455.2, NM_001168408.2 and 15 more transcripts); c.1411C>T, p.Arg471Ter (NM_001350454.2, NM_001350456.2, NM_001168407.2 and 19 more transcripts); c.1171C>T, p.Arg391Ter (NM_001350467.2, NM_001350469.2, NM_001168409.2 and 3 more transcripts); c.1168C>T, p.Arg390Ter (NM_001350468.2, NM_001350461.2, NM_001350463.2); c.1369C>T, p.Arg457Ter (NM_001350470.2, NM_001350473.2, NM_001350474.2 and 1 more transcripts); c.1366C>T, p.Arg456Ter (NM_001350472.2); c.1345C>T, p.Arg449Ter (NM_001350424.2, NM_001350428.2, NM_001350459.2 and 1 more transcripts); short protein forms R457*, R472*, R449*, R390*, R391*, R448*, R456*, R471*.
Identifiers: ClinVar variation 1963374 (VCV001963374.5), dbSNP rs2552135841, ClinGen allele CA364683211.
Genomic context (GRCh38, chr6:72,259,050, plus strand): 5'-TTAGATGAAATTCATCCAACAAGAAGGTCACGTTCTCCAACCAGACACCATGATGCCTCC[C>T]GAAGTCCAGTTGATCATAGAACCAGAGATGTGGATAGTCAGTATTTATCAGAACAAGACA-3'